The following is an entry in ClinVar:

NM_000553.6(WRN):c.731A>G (p.Glu244Gly)

Gene: WRN (WRN RecQ like helicase; plus strand). Cytogenetic location: 8p12.
Variant type: single nucleotide variant.
Coding change: c.731A>G on transcript NM_000553.6 (MANE Select); coding-DNA position 731, A replaced by G.
Protein change: p.Glu244Gly; replaces glutamic acid 244 with glycine.
Molecular consequence: missense variant.
Genome position (GRCh38, 1-based): chr8:31,076,179, A>G. VCF-style: chr8-31076179-A-G. GRCh37 (hg19) VCF-style: chr8-30933695-A-G.
Other names: short protein forms E244G.
Identifiers: ClinVar variation 1370159 (VCV001370159.8), dbSNP rs2130094422, ClinGen allele CA370918315.
Genomic context (GRCh38, chr8:31,076,179, plus strand): 5'-TGAATATCTCTGCTTTGTGGTTTGAAAATTAATATTGATTTTTTTTCCCCCTAGAGGAAG[A>G]AATCCTACTTAGCGACATGAACAAACAGTTGACTTCAATCTCTGAGGAAGTGATGGATCT-3'
Protein context (NP_000544.2, residues 234-254): VQRFAINKEE[Glu244Gly]ILLSDMNKQL

ClinVar aggregate classification (germline): Uncertain significance (1 of 4 stars; one submission).

Conditions:
Werner syndrome (WRN). Identifiers: Orphanet 902, MedGen C0043119, MONDO:0010196, OMIM 277700.

Allele frequency attached by ClinVar (database versions not stated): gnomAD exomes below 0.00001.
gnomAD v4.1: 2 of 1,613,598 alleles (0.00012%); highest among the groups gnomAD compares: Non-Finnish European, 0.00017%; no homozygotes.

Submission:

Labcorp Genetics (formerly Invitae), Labcorp
Classification: Uncertain significance for Werner syndrome. Last evaluated: 2023-07-25. Review status: criteria provided, single submitter. Criteria: Invitae Variant Classification Sherloc (09022015). Collection method: clinical testing. Allele origin: germline.
Comment: This variant has not been reported in the literature in individuals affected with WRN-related conditions. This variant is not present in population databases (gnomAD no frequency). This sequence change replaces glutamic acid, which is acidic and polar, with glycine, which is neutral and non-polar, at codon 244 of the WRN protein (p.Glu244Gly). ClinVar contains an entry for this variant (Variation ID: 1370159). In summary, the available evidence is currently insufficient to determine the role of this variant in disease. Therefore, it has been classified as a Variant of Uncertain Significance. An algorithm developed to predict the effect of missense changes on protein structure and function (PolyPhen-2) suggests that this variant is likely to be tolerated.